The following is an entry in ClinVar:

NM_004519.4(KCNQ3):c.1810T>A (p.Tyr604Asn)

Gene: KCNQ3 (potassium voltage-gated channel subfamily Q member 3; minus strand). Cytogenetic location: 8q24.22.
Variant type: single nucleotide variant.
Coding change: c.1810T>A on transcript NM_004519.4 (MANE Select); coding-DNA position 1810, T replaced by A.
Protein change: p.Tyr604Asn; replaces tyrosine 604 with asparagine.
Molecular consequence: missense variant.
Genome position (GRCh38, 1-based): chr8:132,132,254, A>T on the plus strand (T>A on the coding strand, the complement: KCNQ3 is on the minus strand). VCF-style: chr8-132132254-A-T. GRCh37 (hg19) VCF-style: chr8-133144501-A-T.
Other names: c.1450T>A, p.Tyr484Asn (NM_001204824.2); short protein forms Y604N, Y484N.
Identifiers: ClinVar variation 405219 (VCV000405219.8), dbSNP rs1060500606, ClinGen allele CA16612207.

ClinVar aggregate classification (germline): Uncertain significance (1 of 4 stars; one submission).

Conditions:
Benign neonatal seizures. Also called: Benign familial neonatal seizures; Convulsions benign familial neonatal dominant form; Autosomal dominant form of benign neonatal seizures; Benign familial neonatal epilepsy; Benign neonatal familial convulsions. Identifiers: Orphanet 1949, MedGen C0220669, MONDO:0016027.

Allele frequency attached by ClinVar (database versions not stated): gnomAD exomes below 0.00001.
gnomAD v4.1: 1 of 1,612,252 alleles (0.000062%); highest among the groups gnomAD compares: East Asian, 0.0022%; no homozygotes.

Submission:

Labcorp Genetics (formerly Invitae), Labcorp
Classification: Uncertain significance for Benign neonatal seizures. Last evaluated: 2022-04-17. Review status: criteria provided, single submitter. Criteria: Invitae Variant Classification Sherloc (09022015). Collection method: clinical testing. Allele origin: germline.
Comment: This variant has not been reported in the literature in individuals affected with KCNQ3-related conditions. This sequence change replaces tyrosine, which is neutral and polar, with asparagine, which is neutral and polar, at codon 604 of the KCNQ3 protein (p.Tyr604Asn). This variant is not present in population databases (gnomAD no frequency). ClinVar contains an entry for this variant (Variation ID: 405219). Algorithms developed to predict the effect of missense changes on protein structure and function are either unavailable or do not agree on the potential impact of this missense change (SIFT: "Deleterious"; PolyPhen-2: "Probably Damaging"; Align-GVGD: "Class C0"). In summary, the available evidence is currently insufficient to determine the role of this variant in disease. Therefore, it has been classified as a Variant of Uncertain Significance.